The following is an entry in ClinVar:

ClinVar aggregate classification (germline): Benign. Review status: criteria provided, multiple submitters, no conflicts (2 of 4 stars). 2 submissions from 2 submitters: Benign (2). Last evaluated 2024-07-31.

Submissions (2):

Unidad de Genómica Garrahan, Hospital de Pediatría Garrahan
Classification: Benign. Last evaluated: 2024-07-31. Review status: criteria provided, single submitter. Criteria: ACMG Guidelines, 2015. Collection method: clinical testing. Allele origin: germline. Affected: no. Observed: 39 variant alleles.
Comment: This variant is classified as Benign based on local population frequency. This variant was detected in 42% of patients studied in a panel designed for Epileptic and Developmental Encephalopathy, Progressive Myoclonus Epilepsy and Abnormal Movements and Neurodegeneration with brain iron accumulation. Number of patients: 39. Only high quality variants are reported.

GeneDx
Classification: Benign. Last evaluated: 2019-08-10. Review status: criteria provided, single submitter. Criteria: GeneDx Variant Classification Process June 2021. Collection method: clinical testing. Allele origin: germline. Affected: yes.

NM_025150.5(TARS2):c.1617+90dup

Gene: TARS2 (threonyl-tRNA synthetase 2, mitochondrial; plus strand). Cytogenetic location: 1q21.2.
Variant type: Duplication.
Coding change: c.1617+90dup on transcript NM_025150.5 (MANE Select); 90 bases into the intron after coding-DNA position 1617, one base duplicated (T; older notation c.1617+90dupT).
Molecular consequence: intron variant.
Genome position (GRCh38, 1-based): chr1:150,499,383, T duplicated; the last of 11 consecutive T bases (chr1:150,499,373-150,499,383); duplicating any one gives the same sequence. VCF-style (leftmost placement, unchanged base first): chr1-150499372-A-AT. GRCh37 (hg19) VCF-style: chr1-150471848-A-AT.
Other names: c.1371+90dup (NM_001271895.2); c.1227+90dup (NM_001271896.2).
Identifiers: ClinVar variation 1298065 (VCV001298065.4), dbSNP rs34802685, ClinGen allele CA30067186.